The following is an entry in ClinVar:

ClinVar aggregate classification (germline): Uncertain significance. Review status: criteria provided, multiple submitters, no conflicts (2 of 4 stars). 2 submissions from 2 submitters: Uncertain significance (2). Last evaluated 2024-10-29.

Conditions:
Dalmatian hypouricemia (RHUC1). Identifiers: MedGen C0473219, MONDO:0020728, OMIM 220150.

Allele frequency attached by ClinVar (database versions not stated): gnomAD 0.00008; TOPMed 0.00012; ESP Exome Variant Server 0.00015; 1000 Genomes Project 30x 0.00016; gnomAD exomes 0.00017 and 0.00020; ExAC 0.00022; 1000 Genomes Project 0.00040.
gnomAD v4.1: 311 of 1,606,140 alleles (0.019%); highest among the groups gnomAD compares: Middle Eastern, 0.069%; no homozygotes.

Submissions (2):

Labcorp Genetics (formerly Invitae), Labcorp
Classification: Uncertain significance. Last evaluated: 2024-10-29. Review status: criteria provided, single submitter. Criteria: Invitae Variant Classification Sherloc (09022015). Collection method: clinical testing. Allele origin: germline.
Comment: This sequence change replaces arginine, which is basic and polar, with glutamine, which is neutral and polar, at codon 487 of the SLC22A12 protein (p.Arg487Gln). This variant is present in population databases (rs151308640, gnomAD 0.04%). This variant has not been reported in the literature in individuals affected with SLC22A12-related conditions. ClinVar contains an entry for this variant (Variation ID: 305246). An algorithm developed to predict the effect of missense changes on protein structure and function outputs the following: PolyPhen-2: "Benign". The glutamine amino acid residue is found in multiple mammalian species, which suggests that this missense change does not adversely affect protein function. In summary, the available evidence is currently insufficient to determine the role of this variant in disease. Therefore, it has been classified as a Variant of Uncertain Significance.

Illumina Laboratory Services, Illumina
Classification: Uncertain significance for Dalmatian hypouricemia. Last evaluated: 2018-01-12. Review status: criteria provided, single submitter. Criteria: ICSL Variant Classification Criteria 13 December 2019. Collection method: clinical testing. Allele origin: germline.

NM_144585.4(SLC22A12):c.1460G>A (p.Arg487Gln)

Gene: SLC22A12 (solute carrier family 22 member 12; plus strand). Cytogenetic location: 11q13.1.
Variant type: single nucleotide variant.
Coding change: c.1460G>A on transcript NM_144585.4 (MANE Select); coding-DNA position 1460, G replaced by A.
Protein change: p.Arg487Gln; replaces arginine 487 with glutamine.
Molecular consequence: missense variant.
Genome position (GRCh38, 1-based): chr11:64,600,800, G>A. VCF-style: chr11-64600800-G-A. GRCh37 (hg19) VCF-style: chr11-64368272-G-A.
Other names: c.1358G>A, p.Arg453Gln (NM_001276326.2); c.1136G>A, p.Arg379Gln (NM_001276327.2); c.797G>A, p.Arg266Gln (NM_153378.3); short protein forms R487Q, R266Q, R379Q, R453Q.
Identifiers: ClinVar variation 305246 (VCV000305246.12), dbSNP rs151308640, ClinGen allele CA6077463.